The following is an entry in ClinVar:

ClinVar aggregate classification (germline): Uncertain significance. Review status: criteria provided, single submitter (1 of 4 stars). 3 submissions from 2 submitters: Uncertain significance (2). 1 of the submissions does not count toward it.

Conditions:
Transitory neonatal diabetes mellitus. Also called: Transient neonatal diabetes mellitus. Identifiers: MedGen C0342273, MONDO:0020525, HP:0008255.
Maturity-onset diabetes of the young (MODY). Also called: Maturity onset diabetes mellitus in young. Identifiers: Orphanet 552, MedGen C0342276, MONDO:0018911, HP:0004904.
Hereditary hyperinsulinism.

Allele frequency attached by ClinVar (database versions not stated): gnomAD exomes below 0.00001.
gnomAD v4.1: 2 of 1,614,172 alleles (0.00012%); highest among the groups gnomAD compares: Non-Finnish European, 0.000085%; no homozygotes.

Submissions (3):

Clinical Genomics, Uppaluri K&H Personalized Medicine Clinic
Classification: Uncertain significance for Transitory neonatal diabetes mellitus. Review status: criteria provided, single submitter. Criteria: K & H Uppaluri Personalized Medicine Clinic Variant Classification & Assertion Criteria_Updated V.1. Collection method: research. Allele origin: unknown. Inheritance: Somatic mutation.
Comment: Mutations in ABCC8 gene are associated with both neonatal diabetes mellitus as well as MODY. Patients with this mutation may have a better response to sulfonylureas. However, no sufficient evidence is found to ascertain the role of this particular variant (rs1956392066) in neonatal diabetes yet.

Clinical Genomics, Uppaluri K&H Personalized Medicine Clinic
Classification: Uncertain significance for Maturity-onset diabetes of the young. Review status: criteria provided, single submitter. Criteria: K & H Uppaluri Personalized Medicine Clinic Variant Classification & Assertion Criteria_Updated V.1. Collection method: research. Allele origin: unknown. Inheritance: Somatic mutation.
Comment: Mutations in ABCC8 gene are associated with both neonatal diabetes mellitus as well as MODY. Patients with this mutation may have a better response to sulfonylureas. However, no sufficient evidence is found to ascertain the role of this particular variant (rs1956392066) in MODY yet.

Natera, Inc.
Classification: Uncertain significance for Hereditary hyperinsulinism. Last evaluated: 2020-04-10. Review status: no assertion criteria provided. Collection method: clinical testing. Allele origin: germline. Not counted in ClinVar's aggregate classification.

Literature cited by the submitters: PubMed 16885549 (cited by Clinical Genomics, Uppaluri K&H Personalized Medicine Clinic); PubMed 21989597 (cited by Clinical Genomics, Uppaluri K&H Personalized Medicine Clinic); PubMed 27538677 (cited by Clinical Genomics, Uppaluri K&H Personalized Medicine Clinic); PubMed 18981553 (cited by Clinical Genomics, Uppaluri K&H Personalized Medicine Clinic); PubMed 32027066 (cited by Clinical Genomics, Uppaluri K&H Personalized Medicine Clinic); PubMed 16613899 (cited by Clinical Genomics, Uppaluri K&H Personalized Medicine Clinic); PubMed 18025408 (cited by Clinical Genomics, Uppaluri K&H Personalized Medicine Clinic); PubMed 32792356 (cited by Clinical Genomics, Uppaluri K&H Personalized Medicine Clinic).

NM_000352.6(ABCC8):c.1433C>G (p.Ala478Gly)

Gene: ABCC8 (ATP binding cassette subfamily C member 8; minus strand). Cytogenetic location: 11p15.1.
Variant type: single nucleotide variant.
Coding change: c.1433C>G on transcript NM_000352.6 (MANE Select); coding-DNA position 1433, C replaced by G.
Protein change: p.Ala478Gly; replaces alanine 478 with glycine.
Molecular consequence: missense variant. On other transcripts: non-coding transcript variant (1).
Genome position (GRCh38, 1-based): chr11:17,443,212, G>C on the plus strand (C>G on the coding strand, the complement: ABCC8 is on the minus strand). VCF-style: chr11-17443212-G-C. GRCh37 (hg19) VCF-style: chr11-17464759-G-C.
Other names: c.1433C>G, p.Ala478Gly (NM_001287174.3, NM_001351295.2); c.1430C>G, p.Ala477Gly (NM_001351296.2, NM_001351297.2); short protein forms A477G, A478G.
Identifiers: ClinVar variation 991053 (VCV000991053.2), dbSNP rs1956392066, ClinGen allele CA379767011.